The following is an entry in ClinVar:

NM_198525.3(KIF7):c.1118G>C (p.Arg373Pro)

Gene: KIF7 (kinesin family member 7; minus strand). Cytogenetic location: 15q26.1.
Variant type: single nucleotide variant.
Coding change: c.1118G>C on transcript NM_198525.3 (MANE Select); coding-DNA position 1118, G replaced by C.
Protein change: p.Arg373Pro; replaces arginine 373 with proline.
Molecular consequence: missense variant.
Genome position (GRCh38, 1-based): chr15:89,648,580, C>G on the plus strand (G>C on the coding strand, the complement: KIF7 is on the minus strand). VCF-style: chr15-89648580-C-G. GRCh37 (hg19) VCF-style: chr15-90191811-C-G.
Other names: short protein forms R373P.
Identifiers: ClinVar variation 2132767 (VCV002132767.4), dbSNP rs1292098815, ClinGen allele CA393772401.

ClinVar aggregate classification (germline): Uncertain significance (1 of 4 stars; one submission).

Conditions:
Acrocallosal syndrome (ACLS). Also called: HALLUX DUPLICATION, POSTAXIAL POLYDACTYLY, AND ABSENCE OF CORPUS CALLOSUM; Schinzel syndrome 1; Absence of corpus callosum with unusual facial appearance, mental deficiency, duplication of the halluces and polydactyly. Identifiers: Orphanet 36, MedGen C0796147, MONDO:0008708, OMIM 200990.

gnomAD v4.1: 2 of 1,511,522 alleles (0.00013%); highest among the groups gnomAD compares: Non-Finnish European, 0.00018%; no homozygotes.

Submission:

Labcorp Genetics (formerly Invitae), Labcorp
Classification: Uncertain significance for Acrocallosal syndrome. Last evaluated: 2022-05-03. Review status: criteria provided, single submitter. Criteria: Invitae Variant Classification Sherloc (09022015). Collection method: clinical testing. Allele origin: germline.
Comment: This variant has not been reported in the literature in individuals affected with KIF7-related conditions. This variant is present in population databases (no rsID available, gnomAD 0.002%). This sequence change replaces arginine, which is basic and polar, with proline, which is neutral and non-polar, at codon 373 of the KIF7 protein (p.Arg373Pro). In summary, the available evidence is currently insufficient to determine the role of this variant in disease. Therefore, it has been classified as a Variant of Uncertain Significance. Algorithms developed to predict the effect of missense changes on protein structure and function (SIFT, PolyPhen-2, Align-GVGD) all suggest that this variant is likely to be tolerated.